The following is an entry in ClinVar:

NM_005909.5(MAP1B):c.1214C>A (p.Thr405Asn)

Gene: MAP1B (microtubule associated protein 1B; plus strand). Cytogenetic location: 5q13.2.
Variant type: single nucleotide variant.
Coding change: c.1214C>A on transcript NM_005909.5 (MANE Select); coding-DNA position 1214, C replaced by A.
Protein change: p.Thr405Asn; replaces threonine 405 with asparagine.
Molecular consequence: missense variant.
Genome position (GRCh38, 1-based): chr5:72,194,569, C>A. VCF-style: chr5-72194569-C-A. GRCh37 (hg19) VCF-style: chr5-71490396-C-A.
Other names: c.836C>A, p.Thr279Asn (NM_001324255.2); short protein forms T279N, T405N.
Identifiers: ClinVar variation 4988457 (VCV004988457.1).

ClinVar aggregate classification (germline): Uncertain significance (1 of 4 stars; one submission).

Conditions:
MAP1B-related disorder. Also called: MAP1B-related condition.

gnomAD v4.1: 9 of 1,614,104 alleles (0.00056%); highest among the groups gnomAD compares: Non-Finnish European, 0.00076%; no homozygotes.

Submission:

PreventionGenetics, part of Exact Sciences
Classification: Uncertain significance for MAP1B-related condition. Last evaluated: 2025-12-08. Review status: criteria provided, single submitter. Criteria: ACMG Guidelines, 2015. Collection method: clinical testing. Allele origin: germline.
Comment: The MAP1B c.1214C>A variant is predicted to result in the amino acid substitution p.Thr405Asn. To our knowledge, this variant has not been reported in the literature. This variant is reported in 0.0026% of alleles in individuals of European (Non-Finnish) descent in gnomAD. At this time, the clinical significance of this variant is uncertain due to the absence of conclusive functional and genetic evidence.